The following is an entry in ClinVar:

ClinVar aggregate classification (germline): Uncertain significance. Review status: criteria provided, multiple submitters, no conflicts (2 of 4 stars). 3 submissions from 3 submitters: Uncertain significance (3). Last evaluated 2025-10-21.

Conditions:
NOTCH1-related disorder. Also called: NOTCH1-related condition; NOTCH1-related disorders.
Adams-Oliver syndrome 5 (AOS5). Identifiers: Orphanet 974, MedGen C4014970, MONDO:0014459, OMIM 616028.
Familial thoracic aortic aneurysm and aortic dissection (TAAD). Also called: Thoracic aortic aneurysms and dissections. Identifiers: Orphanet 91387, MedGen C4707243, MONDO:0019625.

Submissions (3):

Labcorp Genetics (formerly Invitae), Labcorp
Classification: Uncertain significance for Adams-Oliver syndrome 5. Last evaluated: 2025-10-21. Review status: criteria provided, single submitter. Criteria: Invitae Variant Classification Sherloc (09022015). Collection method: clinical testing. Allele origin: germline.
Comment: This sequence change replaces glycine, which is neutral and non-polar, with serine, which is neutral and polar, at codon 2348 of the NOTCH1 protein (p.Gly2348Ser). This variant is not present in population databases (gnomAD no frequency). This variant has not been reported in the literature in individuals affected with NOTCH1-related conditions. ClinVar contains an entry for this variant (Variation ID: 1756847). Invitae Evidence Modeling of protein sequence and biophysical properties (such as structural, functional, and spatial information, amino acid conservation, physicochemical variation, residue mobility, and thermodynamic stability) indicates that this missense variant is not expected to disrupt NOTCH1 protein function with a negative predictive value of 80%. In summary, the available evidence is currently insufficient to determine the role of this variant in disease. Therefore, it has been classified as a Variant of Uncertain Significance.

PreventionGenetics, part of Exact Sciences
Classification: Uncertain significance for NOTCH1-related condition. Last evaluated: 2023-07-06. Review status: criteria provided, single submitter. Criteria: ACMG Guidelines, 2015. Collection method: clinical testing. Allele origin: germline.
Comment: The NOTCH1 c.7042G>A variant is predicted to result in the amino acid substitution p.Gly2348Ser. To our knowledge, this variant has not been reported in the literature or in a large population database, indicating this variant is rare. At this time, the clinical significance of this variant is uncertain due to the absence of conclusive functional and genetic evidence.

Ambry Genetics
Classification: Uncertain significance for Familial thoracic aortic aneurysm and aortic dissection. Last evaluated: 2018-03-21. Review status: criteria provided, single submitter. Criteria: Ambry Variant Classification Scheme 2023. Collection method: clinical testing. Allele origin: germline.
Comment: The p.G2348S variant (also known as c.7042G>A), located in coding exon 34 of the NOTCH1 gene, results from a G to A substitution at nucleotide position 7042. The glycine at codon 2348 is replaced by serine, an amino acid with similar properties. This amino acid position is not well conserved in available vertebrate species, and serine is the reference amino acid in other vertebrate species. In addition, this alteration is predicted to be tolerated by in silico analysis. Since supporting evidence is limited at this time, the clinical significance of this alteration remains unclear.

NM_017617.5(NOTCH1):c.7042G>A (p.Gly2348Ser)

Gene: NOTCH1 (notch receptor 1; minus strand). Cytogenetic location: 9q34.3.
Variant type: single nucleotide variant.
Coding change: c.7042G>A on transcript NM_017617.5 (MANE Select); coding-DNA position 7042, G replaced by A.
Protein change: p.Gly2348Ser; replaces glycine 2348 with serine.
Molecular consequence: missense variant.
Genome position (GRCh38, 1-based): chr9:136,496,697, C>T on the plus strand (G>A on the coding strand, the complement: NOTCH1 is on the minus strand). VCF-style: chr9-136496697-C-T. GRCh37 (hg19) VCF-style: chr9-139391149-C-T.
Other names: c.7042G>A (NM_017617.4); short protein forms G2348S.
Identifiers: ClinVar variation 1756847 (VCV001756847.6), dbSNP rs2540421222, ClinGen allele CA375629121.
Genomic context (GRCh38, chr9:136,496,697, plus strand): 5'-GGCCCTGGTAGCTCATCATCTGGGACAGGGCGCTGGCAGCAAGGCTACTGTGCAGCGGGC[C>T]TACCATGCCATGCTGCAGGGAGGGGGCCTGTGTGCTCAGGGGGCCTGGTGCCACACTCCC-3'
Protein context (NP_060087.3, residues 2338-2358): QAPSLQHGMV[Gly2348Ser]PLHSSLAASA